The following is an entry in ClinVar:

NM_201384.3(PLEC):c.9772_9777dup (p.Ser3259_Glu3260insSerSer)

Gene: PLEC (plectin; minus strand). Cytogenetic location: 8q24.3.
Variant type: Duplication.
Coding change: c.9772_9777dup on transcript NM_201384.3 (MANE Select); coding-DNA positions 9772 to 9777, 6 bases duplicated (AGCTCT; older notation c.9772_9777dupAGCTCT).
Protein change: p.Ser3259_Glu3260insSerSer.
Molecular consequence: inframe insertion.
Genome position (GRCh38, 1-based): chr8:143,920,044-143,920,049, AGAGCT duplicated on the plus strand (AGCTCT on the coding strand, the reverse complement: PLEC is on the minus strand). VCF-style (leftmost placement, unchanged base first): chr8-143920043-C-CAGAGCT. GRCh37 (hg19) VCF-style: chr8-144994211-C-CAGAGCT.
Other names: c.9853_9858dup, p.Ser3286_Glu3287insSerSer (NM_000445.5); c.6472_6477dup, p.Ser2159_Glu2160insSerSer (NM_001410941.1); c.9730_9735dup, p.Ser3245_Glu3246insSerSer (NM_201378.4); c.9706_9711dup, p.Ser3237_Glu3238insSerSer (NM_201379.3); c.10183_10188dup, p.Ser3396_Glu3397insSerSer (NM_201380.4); c.9676_9681dup, p.Ser3227_Glu3228insSerSer (NM_201381.3); c.9772_9777dup, p.Ser3259_Glu3260insSerSer (NM_201382.4); c.9784_9789dup, p.Ser3263_Glu3264insSerSer (NM_201383.3).
Identifiers: ClinVar variation 3755410 (VCV003755410.2).

ClinVar aggregate classification (germline): Uncertain significance (1 of 4 stars; one submission).

Conditions:
Epidermolysis bullosa simplex with nail dystrophy (EBS5D). Identifiers: MedGen C4225309, MONDO:0014661, OMIM 616487.
Epidermolysis bullosa simplex, Ogna type (EBS5A). Also called: Pidermolysis bullosa simplex 5A, Ogna type; EPIDERMOLYSIS BULLOSA SIMPLEX 5A, OGNA TYPE. Identifiers: Orphanet 79401, MedGen C0432317, MONDO:0007555, OMIM 131950.
Autosomal recessive limb-girdle muscular dystrophy type 2Q (LGMDR17). Also called: MUSCULAR DYSTROPHY, LIMB-GIRDLE, AUTOSOMAL RECESSIVE 17. Identifiers: Orphanet 254361, MedGen C3150989, MONDO:0013390, OMIM 613723.
Epidermolysis bullosa simplex 5B, with muscular dystrophy (EBS5B). Also called: EPIDERMOLYSIS BULLOSA SIMPLEX AND LIMB-GIRDLE MUSCULAR DYSTROPHY; Epidermolysis bullosa simplex with muscular dystrophy. Identifiers: Orphanet 257, MedGen C2931072, MONDO:0009181, OMIM 226670.
Epidermolysis bullosa simplex 5C, with pyloric atresia (EBS5C). Also called: PLEC-Related Epidermolysis Bullosa with Pyloric Atresia; Epidermolysis bullosa simplex with pyloric atresia; PLEC1-Related Epidermolysis Bullosa with Pyloric Atresia. Identifiers: Orphanet 158684, MedGen C2677349, MONDO:0012807, OMIM 612138.

Submission:

Labcorp Genetics (formerly Invitae), Labcorp
Classification: Uncertain significance for Autosomal recessive limb-girdle muscular dystrophy type 2Q; Epidermolysis bullosa simplex, Ogna type; Epidermolysis bullosa simplex with nail dystrophy; Epidermolysis bullosa simplex 5C, with pyloric atresia; Epidermolysis bullosa simplex 5B, with muscular dystrophy. Last evaluated: 2025-05-21. Review status: criteria provided, single submitter. Criteria: Invitae Variant Classification Sherloc (09022015). Collection method: clinical testing. Allele origin: germline.
Comment: This variant, c.9853_9858dup, results in the insertion of 2 amino acid(s) of the PLEC protein (p.Ser3285_Ser3286dup), but otherwise preserves the integrity of the reading frame. This variant is not present in population databases (gnomAD no frequency). This variant has not been reported in the literature in individuals affected with PLEC-related conditions. ClinVar contains an entry for this variant (Variation ID: 3755410). Experimental studies and prediction algorithms are not available or were not evaluated, and the functional significance of this variant is currently unknown. In summary, the available evidence is currently insufficient to determine the role of this variant in disease. Therefore, it has been classified as a Variant of Uncertain Significance.